The following is an entry in ClinVar:

ClinVar aggregate classification (germline): Uncertain significance (1 of 4 stars; one submission).

Conditions:
Holoprosencephaly 3 (HPE3). Identifiers: Orphanet 2162, MedGen C1840529, MONDO:0007733, OMIM 142945.

Allele frequency attached by ClinVar (database versions not stated): TOPMed 0.00002; gnomAD 0.00004; 1000 Genomes Project 30x 0.00031; 1000 Genomes Project 0.00040.
gnomAD v4.1: 7 of 152,258 alleles (0.0046%); highest among the groups gnomAD compares: Middle Eastern, 0.34%; no homozygotes.

Submission:

Labcorp Genetics (formerly Invitae), Labcorp
Classification: Uncertain significance for Holoprosencephaly 3. Last evaluated: 2023-06-09. Review status: criteria provided, single submitter. Criteria: Invitae Variant Classification Sherloc (09022015). Collection method: clinical testing. Allele origin: germline.
Comment: This variant has not been reported in the literature in individuals affected with SHH-related conditions. In summary, the available evidence is currently insufficient to determine the role of this variant in disease. Therefore, it has been classified as a Variant of Uncertain Significance. Experimental studies and prediction algorithms are not available or were not evaluated, and the functional significance of this variant is currently unknown. This variant is present in population databases (rs142287835, gnomAD 0.1%). This variant occurs in a non-coding region of the SHH gene. It does not change the encoded amino acid sequence of the SHH protein.

NC_000007.14:g.156779248A>C

Genes: LMBR1 (limb development membrane protein 1; minus strand), SHH (sonic hedgehog signaling molecule; minus strand). Cytogenetic location: 7q36.3.
Variant type: single nucleotide variant.
Molecular consequence: intron variant (on NM_022458.4).
Genome position: GRCh38 VCF-style: chr7-156779248-A-C. GRCh37 (hg19) VCF-style: chr7-156571942-A-C.
Other names: c.361-15453T>G (NM_001363412.2); c.145-15453T>G (NM_001350954.2); c.424-15453T>G (NM_001363410.2, NM_022458.4, NM_001363409.2 and 1 more transcripts); c.-34+407T>G (NM_001350958.2, NM_001350956.2, NM_001350955.2 and 1 more transcripts); c.55-15453T>G (NM_001350957.2, NM_001363411.2).
Identifiers: ClinVar variation 2870921 (VCV002870921.3), dbSNP rs142287835, ClinGen allele CA169822108.
Genomic context (GRCh38, chr7:156,779,248, plus strand): 5'-TTCATGAACTTCACAATATTTTTATTTCCCAGTATGAACACTTATCCTGCCATCCCCCAC[A>C]AAAAAACCCGTTAAGTTTAAATTACTTTAGCGAAACTCCTTCCTTCTGATTAAAATTGCA-3'